The following is an entry in ClinVar:

ClinVar aggregate classification (germline): Uncertain significance (1 of 4 stars; one submission).

Submission:

GeneDx
Classification: Uncertain significance. Last evaluated: 2023-12-26. Review status: criteria provided, single submitter. Criteria: GeneDx Variant Classification Process June 2021. Collection method: clinical testing. Allele origin: germline. Affected: yes.
Comment: Not observed at significant frequency in large population cohorts (gnomAD); In silico analysis supports that this missense variant does not alter protein structure/function; Has not been previously published as pathogenic or benign to our knowledge; This variant is associated with the following publications: (PMID: 19245665)

NM_003079.5(SMARCE1):c.1010A>C (p.Asn337Thr)

Gene: SMARCE1 (SWI/SNF related BAF chromatin remodeling complex subunit E1; minus strand). Cytogenetic location: 17q21.2.
Variant type: single nucleotide variant.
Coding change: c.1010A>C on transcript NM_003079.5 (MANE Select); coding-DNA position 1010, A replaced by C.
Protein change: p.Asn337Thr; replaces asparagine 337 with threonine.
Molecular consequence: missense variant.
Genome position (GRCh38, 1-based): chr17:40,630,731, T>G on the plus strand (A>C on the coding strand, the complement: SMARCE1 is on the minus strand). VCF-style: chr17-40630731-T-G. GRCh37 (hg19) VCF-style: chr17-38786983-T-G.
Other names: short protein forms N337T.
Identifiers: ClinVar variation 3369973 (VCV003369973.1).